The following is an entry in ClinVar:

NM_003128.3(SPTBN1):c.330C>G (p.Ile110Met)

Gene: SPTBN1 (spectrin beta, non-erythrocytic 1; plus strand). Cytogenetic location: 2p16.2.
Variant type: single nucleotide variant.
Coding change: c.330C>G on transcript NM_003128.3 (MANE Select); coding-DNA position 330, C replaced by G.
Protein change: p.Ile110Met; replaces isoleucine 110 with methionine.
Molecular consequence: missense variant.
Genome position (GRCh38, 1-based): chr2:54,612,190, C>G. VCF-style: chr2-54612190-C-G. GRCh37 (hg19) VCF-style: chr2-54839327-C-G.
Other names: c.291C>G, p.Ile97Met (NM_178313.3); short protein forms I110M, I97M.
Identifiers: ClinVar variation 2650918 (VCV002650918.24), dbSNP rs2549494517, ClinGen allele CA346858945.

ClinVar aggregate classification (germline): Uncertain significance (1 of 4 stars; one submission).

Submission:

CeGaT Center for Human Genetics Tuebingen
Classification: Uncertain significance. Last evaluated: 2023-08-01. Review status: criteria provided, single submitter. Criteria: CeGaT Center For Human Genetics Tuebingen Variant Classification Criteria Version 2. Collection method: clinical testing. Allele origin: germline. Affected: yes. Observed: 1 variant allele.
Comment: SPTBN1: PM2, PP2, PP3